The following is an entry in ClinVar:

ClinVar aggregate classification (germline): Uncertain significance (1 of 4 stars; one submission).

Submission:

Labcorp Genetics (formerly Invitae), Labcorp
Classification: Uncertain significance. Last evaluated: 2023-02-10. Review status: criteria provided, single submitter. Criteria: Invitae Variant Classification Sherloc (09022015). Collection method: clinical testing. Allele origin: germline.
Comment: This variant, c.3731_3733del, results in the deletion of 1 amino acid(s) of the PTPN23 protein (p.Ile1244del), but otherwise preserves the integrity of the reading frame. This variant is not present in population databases (gnomAD no frequency). This variant has not been reported in the literature in individuals affected with PTPN23-related conditions. Experimental studies and prediction algorithms are not available or were not evaluated, and the functional significance of this variant is currently unknown. In summary, the available evidence is currently insufficient to determine the role of this variant in disease. Therefore, it has been classified as a Variant of Uncertain Significance.

NM_015466.4(PTPN23):c.3731_3733del (p.Ile1244del)

Gene: PTPN23 (protein tyrosine phosphatase non-receptor type 23; plus strand). Cytogenetic location: 3p21.31.
Variant type: Deletion.
Coding change: c.3731_3733del on transcript NM_015466.4 (MANE Select); coding-DNA positions 3731 to 3733, 3 bases deleted (TCA; older notation c.3731_3733delTCA).
Protein change: p.Ile1244del; deletes isoleucine 1244.
Molecular consequence: inframe deletion.
Genome position (GRCh38, 1-based): chr3:47,411,529-47,411,531, TCA deleted; deleting any 3 consecutive bases within chr3:47,411,527-47,411,531 gives the same sequence; the c. name uses the placement nearest the transcript's 3' end. VCF-style (leftmost placement, unchanged base first): chr3-47411526-ACAT-A. GRCh37 (hg19) VCF-style: chr3-47453016-ACAT-A.
Other names: c.3353_3355del, p.Ile1118del (NM_001304482.2); short protein forms I1118del, I1244del.
Identifiers: ClinVar variation 2836114 (VCV002836114.3), dbSNP rs2546254527, ClinGen allele CA2665524302.